The following is an entry in ClinVar:

ClinVar aggregate classification (germline): Likely pathogenic (1 of 4 stars; one submission).

Conditions:
Glomuvenous malformation. Also called: VENOUS MALFORMATIONS WITH GLOMUS CELLS; GLOMANGIOMAS, MULTIPLE; GLOMUS TUMORS, MULTIPLE; Familial glomangioma. Identifiers: Orphanet 83454, MedGen C1841984, MONDO:0007672, OMIM 138000.

Submission:

Clinical Genomics Laboratory, Washington University in St. Louis
Classification: Likely pathogenic for Glomuvenous malformation. Last evaluated: 2024-08-08. Review status: criteria provided, single submitter. Criteria: ACMG Guidelines, 2015. Collection method: clinical testing. Allele origin: germline. Affected: yes.
Comment: A GLMN c.598del (p.Glu200Lysfs*5) variant was identified at a heterozygous allelic fraction of 52.5%, a frequency which may be consistent with germline origin. This variant, to our knowledge, has not been reported in the medical literature and is only observed on 3/1,603,072 alleles in the general population (gnomAD v.4.1.0), indicating it is not a common variant. The GLMN c.598del (p.Glu200Lysfs*5) causes a frameshift by deleting a single nucleotide, leading to a premature termination codon, which is predicted to lead to nonsense mediated decay. Based on available information and the ACMG/AMP guidelines for variant interpretation (Richards S et al., PMID: 25741868), this variant is classified as likely pathogenic.

NM_053274.3(GLMN):c.598del (p.Glu200fs)

Gene: GLMN (glomulin, FKBP associated protein; minus strand). Cytogenetic location: 1p22.1.
Variant type: Deletion.
Coding change: c.598del on transcript NM_053274.3 (MANE Select); coding-DNA position 598, one base deleted (G; older notation c.598delG).
Protein change: p.Glu200fs; shifts the reading frame from glutamic acid 200.
Molecular consequence: frameshift variant. On other transcripts: non-coding transcript variant (1).
Genome position (GRCh38, 1-based): chr1:92,288,948, C deleted on the plus strand (G on the coding strand, the reverse complement: GLMN is on the minus strand); the first of 2 consecutive C bases (chr1:92,288,948-92,288,949); deleting either gives the same sequence. VCF-style (leftmost placement, unchanged base first): chr1-92288947-TC-T. GRCh37 (hg19) VCF-style: chr1-92754504-TC-T.
Other names: c.598del, p.Glu200fs (NM_001319683.2); short protein forms E200fs.
Identifiers: ClinVar variation 3600442 (VCV003600442.1).